The following is an entry in ClinVar:

NM_001077653.2(TBX20):c.370A>C (p.Lys124Gln)

Gene: TBX20 (T-box transcription factor 20; minus strand). Cytogenetic location: 7p14.2.
Variant type: single nucleotide variant.
Coding change: c.370A>C on transcript NM_001077653.2 (MANE Select); coding-DNA position 370, A replaced by C.
Protein change: p.Lys124Gln; replaces lysine 124 with glutamine.
Molecular consequence: missense variant.
Genome position (GRCh38, 1-based): chr7:35,249,961, T>G on the plus strand (A>C on the coding strand, the complement: TBX20 is on the minus strand). VCF-style: chr7-35249961-T-G. GRCh37 (hg19) VCF-style: chr7-35289573-T-G.
Other names: c.370A>C, p.Lys124Gln (NM_001166220.1); short protein forms K124Q.
Identifiers: ClinVar variation 2746103 (VCV002746103.3), dbSNP rs1790271997, ClinGen allele CA367264901.

ClinVar aggregate classification (germline): Uncertain significance (1 of 4 stars; one submission).

Allele frequency attached by ClinVar (database versions not stated): TOPMed below 0.00001; gnomAD 0.00001.
gnomAD v4.1: 1 of 1,604,696 alleles (0.000062%); highest among the groups gnomAD compares: African/African-American, 0.0013%; no homozygotes.

Submission:

Labcorp Genetics (formerly Invitae), Labcorp
Classification: Uncertain significance. Last evaluated: 2023-07-24. Review status: criteria provided, single submitter. Criteria: Invitae Variant Classification Sherloc (09022015). Collection method: clinical testing. Allele origin: germline.
Comment: This sequence change replaces lysine, which is basic and polar, with glutamine, which is neutral and polar, at codon 124 of the TBX20 protein (p.Lys124Gln). This variant is not present in population databases (gnomAD no frequency). This variant has not been reported in the literature in individuals affected with TBX20-related conditions. Advanced modeling of protein sequence and biophysical properties (such as structural, functional, and spatial information, amino acid conservation, physicochemical variation, residue mobility, and thermodynamic stability) performed at Invitae indicates that this missense variant is expected to disrupt TBX20 protein function. In summary, the available evidence is currently insufficient to determine the role of this variant in disease. Therefore, it has been classified as a Variant of Uncertain Significance.